The following is an entry in ClinVar:

NM_002085.5(GPX4):c.94C>T (p.Arg32Trp)

Gene: GPX4 (glutathione peroxidase 4; plus strand). Cytogenetic location: 19p13.3.
Variant type: single nucleotide variant.
Coding change: c.94C>T on transcript NM_002085.5 (MANE Select); coding-DNA position 94, C replaced by T.
Protein change: p.Arg32Trp; replaces arginine 32 with tryptophan.
Molecular consequence: missense variant.
Genome position (GRCh38, 1-based): chr19:1,105,195, C>T. VCF-style: chr19-1105195-C-T. GRCh37 (hg19) VCF-style: chr19-1105194-C-T.
Other names: c.94C>T, p.Arg32Trp (NM_001039847.3); c.205C>T, p.Arg69Trp (NM_001039848.4); c.13C>T, p.Arg5Trp (NM_001367832.1); short protein forms R5W, R32W, R69W.
Identifiers: ClinVar variation 1970460 (VCV001970460.5), dbSNP rs755235087, ClinGen allele CA9037182.

ClinVar aggregate classification (germline): Uncertain significance (1 of 4 stars; one submission).

Allele frequency attached by ClinVar (database versions not stated): TOPMed below 0.00001.
gnomAD v4.1: 14 of 1,613,012 alleles (0.00087%); highest among the groups gnomAD compares: Admixed American, 0.0017%; no homozygotes.

Submission:

Labcorp Genetics (formerly Invitae), Labcorp
Classification: Uncertain significance. Last evaluated: 2022-11-15. Review status: criteria provided, single submitter. Criteria: Invitae Variant Classification Sherloc (09022015). Collection method: clinical testing. Allele origin: germline.
Comment: In summary, the available evidence is currently insufficient to determine the role of this variant in disease. Therefore, it has been classified as a Variant of Uncertain Significance. Algorithms developed to predict the effect of missense changes on protein structure and function are either unavailable or do not agree on the potential impact of this missense change (SIFT: "Deleterious"; PolyPhen-2: "Not Available"; Align-GVGD: "Class C0"). This variant has not been reported in the literature in individuals affected with GPX4-related conditions. This variant is present in population databases (rs755235087, gnomAD 0.003%). This sequence change replaces arginine, which is basic and polar, with tryptophan, which is neutral and slightly polar, at codon 69 of the GPX4 protein (p.Arg69Trp).